The following is an entry in ClinVar:

ClinVar aggregate classification (germline): Uncertain significance (1 of 4 stars; one submission).

Conditions:
Inborn genetic diseases. Identifiers: MedGen C0950123, MeSH D030342.

Submission:

Ambry Genetics
Classification: Uncertain significance for Inborn genetic diseases. Last evaluated: 2026-06-30. Review status: criteria provided, single submitter. Criteria: Ambry Variant Classification Scheme 2023. Collection method: clinical testing. Allele origin: germline.
Comment: The c.1081-28T>G intronic variant consists of a T to G substitution 28 nucleotides before exon 9 (coding exon 9) in the GABRB3 gene. This variant was not reported in population-based cohorts in the Genome Aggregation Database (gnomAD). This nucleotide position is highly conserved in available vertebrate species. In silico splice site analysis predicts that this alteration will weaken the native splice acceptor site. Based on insufficient or conflicting evidence, the clinical significance of this alteration remains unclear.

NM_000814.6(GABRB3):c.1081-28T>G

Gene: GABRB3 (gamma-aminobutyric acid type A receptor subunit beta3; minus strand). Cytogenetic location: 15q12.
Variant type: single nucleotide variant.
Coding change: c.1081-28T>G on transcript NM_000814.6 (MANE Select); 28 bases into the intron before coding-DNA position 1081, T replaced by G.
Molecular consequence: intron variant.
Genome position (GRCh38, 1-based): chr15:26,548,162, A>C on the plus strand (T>G on the coding strand, the complement: GABRB3 is on the minus strand). VCF-style: chr15-26548162-A-C. GRCh37 (hg19) VCF-style: chr15-26793309-A-C.
Other names: c.1081-28T>G (NM_021912.5); c.826-28T>G (NM_001278631.2, NM_001191320.2); c.868-28T>G (NM_001191321.3).
Identifiers: ClinVar variation 5022119 (VCV005022119.1).